The following is an entry in ClinVar:

NM_006796.3(AFG3L2):c.2105G>T (p.Arg702Leu)

Gene: AFG3L2 (AFG3 like matrix AAA peptidase subunit 2; minus strand). Cytogenetic location: 18p11.21.
Variant type: single nucleotide variant.
Coding change: c.2105G>T on transcript NM_006796.3 (MANE Select); coding-DNA position 2105, G replaced by T.
Protein change: p.Arg702Leu; replaces arginine 702 with leucine.
Molecular consequence: missense variant.
Genome position (GRCh38, 1-based): chr18:12,337,411, C>A on the plus strand (G>T on the coding strand, the complement: AFG3L2 is on the minus strand). VCF-style: chr18-12337411-C-A. GRCh37 (hg19) VCF-style: chr18-12337410-C-A.
Other names: short protein forms R702L.
Identifiers: ClinVar variation 3775947 (VCV003775947.1).
Genomic context (GRCh38, chr18:12,337,411, plus strand): 5'-TCAGCTTTCTTTTCTGTGAGAAGAGCTACTGTTCTTTTATAAGCATCATTAATAAGTATT[C>A]GTACTTCATCATCTATCAATCTTGCAGTGGCTTCACTGTAAGGTTTCTCCAATACCATGT-3'
Protein context (NP_006787.2, residues 692-712): ATARLIDDEV[Arg702Leu]ILINDAYKRT

ClinVar aggregate classification (germline): Likely pathogenic (1 of 4 stars; one submission).

Conditions:
Spinocerebellar ataxia type 28 (SCA28). Also called: Spinocerebellar Ataxia Type 28 (SCA28). Identifiers: Orphanet 101109, MedGen C1853249, MONDO:0012450, OMIM 610246.

Submission:

3billion
Classification: Likely pathogenic for Spinocerebellar ataxia type 28. Last evaluated: 2023-08-30. Review status: criteria provided, single submitter. Criteria: ACMG Guidelines, 2015. Collection method: clinical testing. Allele origin: germline. Affected: yes.
Comment: The variant is not observed in the gnomAD v2.1.1 dataset. Predicted Consequence/Location: Missense changes are a common disease-causing mechanism. In silico tool predictions suggest damaging effect of the variant on gene or gene product [REVEL: 0.84 (>=0.6, sensitivity 0.68 and specificity 0.92); 3Cnet: 0.80 (>=0.6, sensitivity 0.72 and precision 0.9)]. A different missense change at the same codon (p.Arg702Gln) has been reported as pathogenic/likely pathogenic with strong evidence (ClinVar ID: VCV000005473 /PMID: 20208537). Therefore, this variant is classified as Likely pathogenic according to the recommendation of ACMG/AMP guideline.

Literature cited by the submitters: PubMed 20208537.